The following is an entry in ClinVar:

ClinVar aggregate classification (germline): Conflicting classifications of pathogenicity. Review status: criteria provided, conflicting classifications (1 of 4 stars). 2 submissions from 2 submitters: Uncertain significance (1); Likely benign (1). Last evaluated 2023-03-23.

Conditions:
Hereditary cancer-predisposing syndrome. Also called: Hereditary Cancer Syndrome; Tumor predisposition; Hereditary neoplastic syndrome; Neoplastic Syndromes, Hereditary. Identifiers: Orphanet 140162, MedGen C0027672, MeSH D009386, MONDO:0015356.
Hereditary breast ovarian cancer syndrome. Also called: Hereditary breast and ovarian cancer; Hereditary breast and ovarian cancer syndrome; BRCA1- and BRCA2-Associated Hereditary Breast and Ovarian Cancer; Hereditary breast and ovarian cancer syndrome (HBOC); Breast and ovarian cancer; Hereditary breast and/or ovarian cancer syndrome. Identifiers: Orphanet 145, MedGen C0677776, MeSH D061325, MONDO:0003582. Disease mechanism: loss of function.

Submissions (2):

University of Washington Department of Laboratory Medicine, University of Washington
Classification: Likely benign for Hereditary cancer-predisposing syndrome. Last evaluated: 2023-03-23. Review status: criteria provided, single submitter. Criteria: Dines et al. (Genet Med. 2020). Collection method: curation. Allele origin: germline.
Comment: Missense variant in a coldspot region where missense variants are very unlikely to be pathogenic (PMID:31911673).

BRCA1 coldspot (exon 11 using historical exon numbering). Reclassification based on statistical prior probability

Labcorp Genetics (formerly Invitae), Labcorp
Classification: Uncertain significance for Hereditary breast ovarian cancer syndrome. Last evaluated: 2022-09-06. Review status: criteria provided, single submitter. Criteria: Invitae Variant Classification Sherloc (09022015). Collection method: clinical testing. Allele origin: germline.
Comment: In summary, the available evidence is currently insufficient to determine the role of this variant in disease. Therefore, it has been classified as a Variant of Uncertain Significance. Advanced modeling of protein sequence and biophysical properties (such as structural, functional, and spatial information, amino acid conservation, physicochemical variation, residue mobility, and thermodynamic stability) performed at Invitae indicates that this missense variant is not expected to disrupt BRCA1 protein function. ClinVar contains an entry for this variant (Variation ID: 646029). This variant has not been reported in the literature in individuals affected with BRCA1-related conditions. This variant is not present in population databases (gnomAD no frequency). This sequence change replaces serine, which is neutral and polar, with proline, which is neutral and non-polar, at codon 449 of the BRCA1 protein (p.Ser449Pro).

NM_007294.4(BRCA1):c.1345T>C (p.Ser449Pro)

Gene: BRCA1 (BRCA1 DNA repair associated; minus strand). Cytogenetic location: 17q21.31.
Variant type: single nucleotide variant.
Coding change: c.1345T>C on transcript NM_007294.4 (MANE Select); coding-DNA position 1345, T replaced by C.
Protein change: p.Ser449Pro; replaces serine 449 with proline.
Molecular consequence: missense variant. On other transcripts: intron variant (137).
Genome position (GRCh38, 1-based): chr17:43,094,186, A>G on the plus strand (T>C on the coding strand, the complement: BRCA1 is on the minus strand). VCF-style: chr17-43094186-A-G. GRCh37 (hg19) VCF-style: chr17-41246203-A-G.
Other names: c.577+558T>C (NM_001408479.1, NM_001408482.1, NM_001408484.1 and 9 more transcripts); c.661+558T>C (NM_001408445.1, NM_001408432.1, NM_001408450.1 and 6 more transcripts); c.784+558T>C (NM_001408402.1, NM_001408473.1, NM_001408399.1 and 13 more transcripts); c.664+558T>C (NM_001408443.1, NM_001408439.1, NM_001408425.1 and 12 more transcripts); c.667+1660T>C (NM_001408431.1, NM_001408424.1, NM_001408421.1); c.670+1660T>C (NM_001408419.1, NM_001408418.1, NM_001408422.1 and 2 more transcripts); c.787+558T>C (NM_001408403.1, NM_001407983.1, NM_001407975.1 and 19 more transcripts); c.790+555T>C (NM_001408406.1); and 40 more; short protein forms S449P, S402P, S338P, S361P, S422P, S446P, S153P, S337P.
Identifiers: ClinVar variation 646029 (VCV000646029.14), dbSNP rs1597876653, ClinGen allele CA10599359.